The following is an entry in ClinVar:

ClinVar aggregate classification (germline): Conflicting classifications of pathogenicity. Review status: criteria provided, conflicting classifications (1 of 4 stars). 2 submissions from 2 submitters: Uncertain significance (1); Likely benign (1). Last evaluated 2025-12-13.

Conditions:
Charcot-Marie-Tooth disease type 2. Also called: Charcot-Marie-Tooth type 2. Identifiers: Orphanet 64746, MedGen C0270914, MONDO:0018993.

Allele frequency attached by ClinVar (database versions not stated): gnomAD exomes 0.00009 and 0.00004; ExAC 0.00007; TOPMed 0.00004.
gnomAD v4.1: 23 of 1,614,084 alleles (0.0014%); highest among the groups gnomAD compares: Admixed American, 0.038%; no homozygotes.

Submissions (2):

Labcorp Genetics (formerly Invitae), Labcorp
Classification: Likely benign for Charcot-Marie-Tooth disease type 2. Last evaluated: 2025-12-13. Review status: criteria provided, single submitter. Criteria: Invitae Variant Classification Sherloc (09022015). Collection method: clinical testing. Allele origin: germline.

GeneDx
Classification: Uncertain significance. Last evaluated: 2022-10-03. Review status: criteria provided, single submitter. Criteria: GeneDx Variant Classification Process June 2021. Collection method: clinical testing. Allele origin: germline. Affected: yes.
Comment: In silico analysis supports that this missense variant does not alter protein structure/function; Has not been previously published as pathogenic or benign to our knowledge; This variant is associated with the following publications: (PMID: 25817015)

NM_001605.3(AARS1):c.2770T>G (p.Ser924Ala)

Gene: AARS1 (alanyl-tRNA synthetase 1; minus strand). Cytogenetic location: 16q22.1.
Variant type: single nucleotide variant.
Coding change: c.2770T>G on transcript NM_001605.3 (MANE Select); coding-DNA position 2770, T replaced by G.
Protein change: p.Ser924Ala; replaces serine 924 with alanine.
Molecular consequence: missense variant.
Genome position (GRCh38, 1-based): chr16:70,252,858, A>C on the plus strand (T>G on the coding strand, the complement: AARS1 is on the minus strand). VCF-style: chr16-70252858-A-C. GRCh37 (hg19) VCF-style: chr16-70286761-A-C.
Other names: short protein forms S924A.
Identifiers: ClinVar variation 1052612 (VCV001052612.8), dbSNP rs766897796, ClinGen allele CA8140269.